The following is an entry in ClinVar:

NM_198576.4(AGRN):c.5086C>T (p.Arg1696Trp)

Gene: AGRN (agrin; plus strand). Cytogenetic location: 1p36.33.
Variant type: single nucleotide variant.
Coding change: c.5086C>T on transcript NM_198576.4 (MANE Select); coding-DNA position 5086, C replaced by T.
Protein change: p.Arg1696Trp; replaces arginine 1696 with tryptophan.
Molecular consequence: missense variant.
Genome position (GRCh38, 1-based): chr1:1,050,536, C>T. VCF-style: chr1-1050536-C-T. GRCh37 (hg19) VCF-style: chr1-985916-C-T.
Other names: c.5086C>T, p.Arg1696Trp (NM_001305275.2); c.4771C>T, p.Arg1591Trp (NM_001364727.2); c.5086C>T (NM_198576.3); short protein forms R1696W, R1591W.
Identifiers: ClinVar variation 1387793 (VCV001387793.14), dbSNP rs201286940, ClinGen allele CA509842.

ClinVar aggregate classification (germline): Uncertain significance. Review status: criteria provided, multiple submitters, no conflicts (2 of 4 stars). 3 submissions from 3 submitters: Uncertain significance (3). Last evaluated 2025-04-01.

Conditions:
Inborn genetic diseases. Identifiers: MedGen C0950123, MeSH D030342.
Congenital myasthenic syndrome 8. Also called: MYASTHENIC SYNDROME, CONGENITAL, DUE TO AGRIN DEFICIENCY; Myasthenic syndrome, congenital, 8, with pre- and postsynaptic defects. Identifiers: Orphanet 590, MedGen C3808739, MONDO:0014052, OMIM 615120.

Allele frequency attached by ClinVar (database versions not stated): ESP Exome Variant Server 0.00008.
gnomAD v4.1: 41 of 1,612,536 alleles (0.0025%); highest among the groups gnomAD compares: South Asian, 0.0055%; no homozygotes.

Submissions (3):

CeGaT Center for Human Genetics Tuebingen
Classification: Uncertain significance. Last evaluated: 2025-04-01. Review status: criteria provided, single submitter. Criteria: CeGaT Center For Human Genetics Tuebingen Variant Classification Criteria Version 2. Collection method: clinical testing. Allele origin: germline. Affected: yes. Observed: 1 variant allele.
Comment: AGRN: PM2, BP4

Ambry Genetics
Classification: Uncertain significance for Inborn genetic diseases. Last evaluated: 2024-10-29. Review status: criteria provided, single submitter. Criteria: Ambry Variant Classification Scheme 2023. Collection method: clinical testing. Allele origin: germline.

Labcorp Genetics (formerly Invitae), Labcorp
Classification: Uncertain significance for Congenital myasthenic syndrome 8. Last evaluated: 2023-10-04. Review status: criteria provided, single submitter. Criteria: Invitae Variant Classification Sherloc (09022015). Collection method: clinical testing. Allele origin: germline.
Comment: This sequence change replaces arginine, which is basic and polar, with tryptophan, which is neutral and slightly polar, at codon 1696 of the AGRN protein (p.Arg1696Trp). This variant is present in population databases (rs201286940, gnomAD 0.04%). This variant has not been reported in the literature in individuals affected with AGRN-related conditions. ClinVar contains an entry for this variant (Variation ID: 1387793). An algorithm developed to predict the effect of missense changes on protein structure and function (PolyPhen-2) suggests that this variant is likely to be disruptive. In summary, the available evidence is currently insufficient to determine the role of this variant in disease. Therefore, it has been classified as a Variant of Uncertain Significance.